The following is an entry in ClinVar:

ClinVar aggregate classification (germline): Uncertain significance. Review status: criteria provided, multiple submitters, no conflicts (2 of 4 stars). 2 submissions from 2 submitters: Uncertain significance (2). Last evaluated 2024-09-12.

Conditions:
Hereditary cancer-predisposing syndrome. Also called: Neoplastic Syndromes, Hereditary; Tumor predisposition; Hereditary Cancer Syndrome; Hereditary neoplastic syndrome. Identifiers: Orphanet 140162, MedGen C0027672, MeSH D009386, MONDO:0015356.
Ataxia-telangiectasia syndrome (AT). Also called: Ataxia telangiectasia (A-T); ATAXIA-TELANGIECTASIA, COMPLEMENTATION GROUP A; ATAXIA-TELANGIECTASIA, FRESNO VARIANT; Ataxia-telangiectasia; Ataxia-telangiectasia, complementation group E; LOUIS-BAR SYNDROME. Identifiers: Orphanet 100, MedGen C0004135, MONDO:0008840, OMIM 208900.

Submissions (2):

Ambry Genetics
Classification: Uncertain significance for Hereditary cancer-predisposing syndrome. Last evaluated: 2024-09-12. Review status: criteria provided, single submitter. Criteria: Ambry Variant Classification Scheme 2023. Collection method: clinical testing. Allele origin: germline.
Comment: The p.M2239L variant (also known as c.6715A>C), located in coding exon 45 of the ATM gene, results from an A to C substitution at nucleotide position 6715. The methionine at codon 2239 is replaced by leucine, an amino acid with highly similar properties. This amino acid position is conserved. In addition, this alteration is predicted to be tolerated by in silico analysis. Based on the available evidence, the clinical significance of this variant remains unclear.

Labcorp Genetics (formerly Invitae), Labcorp
Classification: Uncertain significance for Ataxia-telangiectasia syndrome. Last evaluated: 2021-09-01. Review status: criteria provided, single submitter. Criteria: Invitae Variant Classification Sherloc (09022015). Collection method: clinical testing. Allele origin: germline.
Comment: This sequence change replaces methionine with leucine at codon 2239 of the ATM protein (p.Met2239Leu). The methionine residue is weakly conserved and there is a small physicochemical difference between methionine and leucine. This variant is not present in population databases (ExAC no frequency). This variant has not been reported in the literature in individuals affected with ATM-related conditions. Algorithms developed to predict the effect of missense changes on protein structure and function (SIFT, PolyPhen-2, Align-GVGD) all suggest that this variant is likely to be tolerated. In summary, the available evidence is currently insufficient to determine the role of this variant in disease. Therefore, it has been classified as a Variant of Uncertain Significance.

NM_000051.4(ATM):c.6715A>C (p.Met2239Leu)

Genes: ATM (ATM serine/threonine kinase; plus strand), C11orf65 (chromosome 11 open reading frame 65; minus strand). Cytogenetic location: 11q22.3.
Variant type: single nucleotide variant.
Coding change: c.6715A>C on transcript NM_000051.4 (MANE Select); coding-DNA position 6715, A replaced by C.
Protein change: p.Met2239Leu; replaces methionine 2239 with leucine.
Molecular consequence: missense variant. On other transcripts: intron variant (2).
Genome position (GRCh38, 1-based): chr11:108,325,452, A>C. VCF-style: chr11-108325452-A-C. GRCh37 (hg19) VCF-style: chr11-108196179-A-C.
Other names: c.*38+9768T>G (NM_001351110.2); c.6715A>C, p.Met2239Leu (NM_001351834.2); c.641-16381T>G (NM_001330368.2); short protein forms M2239L.
Identifiers: ClinVar variation 1036582 (VCV001036582.8), dbSNP rs2085569409, ClinGen allele CA382555027.